The following is an entry in ClinVar:

NM_020191.4(MRPS22):c.1043C>T (p.Thr348Ile)

Gene: MRPS22 (mitochondrial ribosomal protein S22; plus strand). Cytogenetic location: 3q23.
Variant type: single nucleotide variant.
Coding change: c.1043C>T on transcript NM_020191.4 (MANE Select); coding-DNA position 1043, C replaced by T.
Protein change: p.Thr348Ile; replaces threonine 348 with isoleucine.
Molecular consequence: missense variant.
Genome position (GRCh38, 1-based): chr3:139,356,974, C>T. VCF-style: chr3-139356974-C-T. GRCh37 (hg19) VCF-style: chr3-139075816-C-T.
Other names: c.920C>T, p.Thr307Ile (NM_001363857.1); c.1040C>T, p.Thr347Ile (NM_001363893.1); short protein forms T347I, T307I, T348I.
Identifiers: ClinVar variation 4110731 (VCV004110731.2).
Genomic context (GRCh38, chr3:139,356,974, plus strand): 5'-AACAGGTCTTTGCAAAAACAGAAGCACAGAAGGGAGCCTATATAGAACTAACACTGCAGA[C>T]TTATCAAGAAGCACTCAGTCGCCATTCTGCAGCTTCCTAAAAATATTTTAAAAATACATT-3'
Protein context (NP_064576.1, residues 338-358): KGAYIELTLQ[Thr348Ile]YQEALSRHSA

ClinVar aggregate classification (germline): Uncertain significance. Review status: criteria provided, multiple submitters, no conflicts (2 of 4 stars). 2 submissions from 2 submitters: Uncertain significance (2). Last evaluated 2026-02-12.

Conditions:
Inborn genetic diseases. Identifiers: MedGen C0950123, MeSH D030342.

Submissions (2):

GeneDx
Classification: Uncertain significance. Last evaluated: 2026-02-12. Review status: criteria provided, single submitter. Criteria: GeneDx Variant Classification Process June 2021. Collection method: clinical testing. Allele origin: germline.
Comment: Not observed at significant frequency in large population cohorts (gnomAD); In silico analysis suggests that this missense variant does not alter protein structure/function; Has not been previously published as pathogenic or benign to our knowledge

Ambry Genetics
Classification: Uncertain significance for Inborn genetic diseases. Last evaluated: 2025-08-09. Review status: criteria provided, single submitter. Criteria: Ambry Variant Classification Scheme 2023. Collection method: clinical testing. Allele origin: germline.